The following is an entry in ClinVar:

ClinVar aggregate classification (germline): Uncertain significance. Review status: criteria provided, multiple submitters, no conflicts (2 of 4 stars). 2 submissions from 2 submitters: Uncertain significance (2). Last evaluated 2024-07-10.

Conditions:
Inborn genetic diseases. Identifiers: MedGen C0950123, MeSH D030342.

Allele frequency attached by ClinVar (database versions not stated): gnomAD 0.00001; TOPMed 0.00001.
gnomAD v4.1: 3 of 1,612,702 alleles (0.00019%); highest among the groups gnomAD compares: African/African-American, 0.0013%; no homozygotes.

Submissions (2):

Ambry Genetics
Classification: Uncertain significance for Inborn genetic diseases. Last evaluated: 2024-07-10. Review status: criteria provided, single submitter. Criteria: Ambry Variant Classification Scheme 2023. Collection method: clinical testing. Allele origin: germline.

Labcorp Genetics (formerly Invitae), Labcorp
Classification: Uncertain significance. Last evaluated: 2022-06-27. Review status: criteria provided, single submitter. Criteria: Invitae Variant Classification Sherloc (09022015). Collection method: clinical testing. Allele origin: germline.
Comment: This sequence change replaces isoleucine, which is neutral and non-polar, with methionine, which is neutral and non-polar, at codon 1709 of the TUBGCP6 protein (p.Ile1709Met). This variant is not present in population databases (gnomAD no frequency). This variant has not been reported in the literature in individuals affected with TUBGCP6-related conditions. Algorithms developed to predict the effect of missense changes on protein structure and function are either unavailable or do not agree on the potential impact of this missense change (SIFT: "Deleterious"; PolyPhen-2: "Possibly Damaging"; Align-GVGD: "Class C0"). In summary, the available evidence is currently insufficient to determine the role of this variant in disease. Therefore, it has been classified as a Variant of Uncertain Significance.

NM_020461.4(TUBGCP6):c.5127C>G (p.Ile1709Met)

Gene: TUBGCP6 (tubulin gamma complex component 6; minus strand). Cytogenetic location: 22q13.33.
Variant type: single nucleotide variant.
Coding change: c.5127C>G on transcript NM_020461.4 (MANE Select); coding-DNA position 5127, C replaced by G.
Protein change: p.Ile1709Met; replaces isoleucine 1709 with methionine.
Molecular consequence: missense variant.
Genome position (GRCh38, 1-based): chr22:50,218,230, G>C on the plus strand (C>G on the coding strand, the complement: TUBGCP6 is on the minus strand). VCF-style: chr22-50218230-G-C. GRCh37 (hg19) VCF-style: chr22-50656659-G-C.
Other names: c.5127C>G (NM_020461.3); short protein forms I1709M.
Identifiers: ClinVar variation 1503674 (VCV001503674.9), dbSNP rs779245078, ClinGen allele CA10307176.